The following is an entry in ClinVar:

ClinVar aggregate classification (germline): Pathogenic (1 of 4 stars; one submission).

Conditions:
Dyskeratosis congenita. Identifiers: Orphanet 1775, MedGen C0265965, MONDO:0015780.

Allele frequency attached by ClinVar (database versions not stated): gnomAD exomes below 0.00001.

Submission:

Labcorp Genetics (formerly Invitae), Labcorp
Classification: Pathogenic for Dyskeratosis congenita. Last evaluated: 2023-12-07. Review status: criteria provided, single submitter. Criteria: Invitae Variant Classification Sherloc (09022015). Collection method: clinical testing. Allele origin: germline.
Comment: This sequence change creates a premature translational stop signal (p.Val1034Cysfs*56) in the CTC1 gene. It is expected to result in an absent or disrupted protein product. Loss-of-function variants in CTC1 are known to be pathogenic (PMID: 22267198, 22387016). This variant is not present in population databases (gnomAD no frequency). This variant has not been reported in the literature in individuals affected with CTC1-related conditions. ClinVar contains an entry for this variant (Variation ID: 653653). Algorithms developed to predict the effect of sequence changes on RNA splicing suggest that this variant may disrupt the consensus splice site. For these reasons, this variant has been classified as Pathogenic.

Literature cited by the submitters: PubMed 22267198; PubMed 22387016.

NM_025099.6(CTC1):c.3099dup (p.Val1034fs)

Gene: CTC1 (CST telomere replication complex component 1; minus strand). Cytogenetic location: 17p13.1.
Variant type: Duplication.
Coding change: c.3099dup on transcript NM_025099.6 (MANE Select); coding-DNA position 3099, one base duplicated (T; older notation c.3099dupT).
Protein change: p.Val1034fs; shifts the reading frame from valine 1034.
Molecular consequence: frameshift variant. On other transcripts: non-coding transcript variant (1).
Genome position (GRCh38, 1-based): chr17:8,229,359, A duplicated on the plus strand (T on the coding strand, the reverse complement: CTC1 is on the minus strand). VCF-style (leftmost placement, unchanged base first): chr17-8229358-C-CA. GRCh37 (hg19) VCF-style: chr17-8132676-C-CA.
Other names: short protein forms V1034fs.
Identifiers: ClinVar variation 653653 (VCV000653653.6), dbSNP rs1597374251, ClinGen allele CA915949560.